The following is an entry in ClinVar:

ClinVar aggregate classification (germline): VUS-low (1 of 4 stars; one submission).

Conditions:
Autosomal recessive nonsyndromic hearing loss 1A (DFNB1A). Also called: Connexin 26 deafness; Deafness nonsyndromic, Connexin 26 linked; GJB6-Related DFNB 1 Nonsyndromic Hearing Loss and Deafness; Deafness, autosomal recessive 1A; Nonsyndromic Hearing Loss and Deafness, DFNB1; GJB2-Related Autosomal Recessive Nonsyndromic Hearing Loss. Identifiers: Orphanet 90636, MedGen C2673759, MONDO:0009076, OMIM 220290.

gnomAD v4.1: 1 of 1,613,626 alleles (0.000062%); highest among the groups gnomAD compares: Non-Finnish European, 0.000085%; no homozygotes.

Submission:

Department of Otorhinolaryngology, Head and Neck Surgery, Xinhua Hospital, Shanghai Jiao Tong University School of Medicine
Classification: VUS-low for Autosomal recessive nonsyndromic hearing loss 1A. Last evaluated: 2026-06-07. Review status: criteria provided, single submitter. Criteria: ACMG Guidelines, 2015. Collection method: clinical testing. Allele origin: germline. Affected: yes.
Comment: PM2

NM_004004.6(GJB2):c.353T>C (p.Ile118Thr)

Gene: GJB2 (gap junction protein beta 2; minus strand). Cytogenetic location: 13q12.11.
Variant type: single nucleotide variant.
Coding change: c.353T>C on transcript NM_004004.6 (MANE Select); coding-DNA position 353, T replaced by C.
Protein change: p.Ile118Thr; replaces isoleucine 118 with threonine.
Molecular consequence: missense variant.
Genome position (GRCh38, 1-based): chr13:20,189,229, A>G on the plus strand (T>C on the coding strand, the complement: GJB2 is on the minus strand). VCF-style: chr13-20189229-A-G. GRCh37 (hg19) VCF-style: chr13-20763368-A-G.
Other names: short protein forms I118T.
Identifiers: ClinVar variation 4856988 (VCV004856988.1).